The following is an entry in ClinVar:

ClinVar aggregate classification (germline): Benign/Likely benign. Review status: criteria provided, multiple submitters, no conflicts (2 of 4 stars). 6 submissions from 6 submitters: Benign (2); Likely benign (3). 1 of the submissions does not count toward it. Last evaluated 2026-01-26.

Conditions:
GH1-related disorder. Also called: GH1-related condition.
Isolated growth hormone deficiency type IB (IGHD1B). Also called: IGHD 1B; IGHD IB. Identifiers: Orphanet 231671, Orphanet 631, MedGen C2748571, MONDO:0013006, OMIM 612781.
Ateleiotic dwarfism (IGHD1A). Also called: Isolated growth hormone deficiency type 1A; Growth hormone deficiency, isolated autosomal recessive; ILLIG type growth hormone deficiency; Pituitary dwarfism 1; IGHD IA; PITUITARY DWARFISM I. Identifiers: Orphanet 231662, Orphanet 631, MedGen C0342573, MONDO:0009876, OMIM 262400.
Autosomal dominant isolated somatotropin deficiency (IGHD2). Also called: Idiopathic Growth Hormone Deficiency Type II; IGHD II. Identifiers: Orphanet 231679, Orphanet 631, MedGen C0271567, MONDO:0008250, OMIM 173100.
Short stature due to growth hormone qualitative anomaly. Also called: BIODEFECTIVE GROWTH HORMONE; PITUITARY DWARFISM WITH NORMAL IMMUNOREACTIVE GROWTH HORMONE AND LOW SOMATOMEDIN. Identifiers: Orphanet 629, MedGen C1849779, MONDO:0009879, OMIM 262650.
Decreased response to growth hormone stimulation test. Also called: Growth hormone deficiency. Identifiers: MedGen C5539399, HP:0000824.

Allele frequency attached by ClinVar (database versions not stated): gnomAD exomes 0.00085 and 0.00214; ExAC 0.00278; gnomAD 0.00917 and 0.00985; 1000 Genomes Project 0.01018; TOPMed 0.01030; ESP Exome Variant Server 0.01061; 1000 Genomes Project 30x 0.01077.
gnomAD v4.1: 2,699 of 1,614,188 alleles (0.17%); highest among the groups gnomAD compares: African/African-American, 3.2%; 45 homozygotes.

Submissions (6):

Labcorp Genetics (formerly Invitae), Labcorp
Classification: Benign. Last evaluated: 2026-01-26. Review status: criteria provided, single submitter. Criteria: Invitae Variant Classification Sherloc (09022015). Collection method: clinical testing. Allele origin: germline.

Fulgent Genetics
Classification: Likely benign for Autosomal dominant isolated somatotropin deficiency; Ateleiotic dwarfism; Short stature due to growth hormone qualitative anomaly; Isolated growth hormone deficiency type IB. Last evaluated: 2021-08-24. Review status: criteria provided, single submitter. Criteria: ACMG Guidelines, 2015. Collection method: clinical testing. Allele origin: unknown.

Illumina Laboratory Services, Illumina
Classification: Likely benign for Growth hormone deficiency. Last evaluated: 2018-01-12. Review status: criteria provided, single submitter. Criteria: ICSL Variant Classification Criteria 13 December 2019. Collection method: clinical testing. Allele origin: germline.
Comment: This variant was observed in the ICSL laboratory as part of a predisposition screen in an ostensibly healthy population. It had not been previously curated by ICSL or reported in the Human Gene Mutation Database (HGMD: prior to June 1st, 2018), and was therefore a candidate for classification through an automated scoring system. Utilizing variant allele frequency, disease prevalence and penetrance estimates, and inheritance mode, an automated score was calculated to assess if this variant is too frequent to cause the disease. Based on the score and internal cut-off values, a variant classified as likely benign is not then subjected to further curation. The score for this variant resulted in a classification of likely benign for this disease.

Eurofins Ntd Llc (ga)
Classification: Benign. Last evaluated: 2015-11-17. Review status: criteria provided, single submitter. Criteria: EGL Classification Definitions 2015. Collection method: clinical testing. Allele origin: germline. Observed: 1 variant allele, 1 heterozygote.

Breakthrough Genomics
Classification: Likely benign. Review status: criteria provided, single submitter. Criteria: ACMG Guidelines, 2015. Collection method: not provided. Allele origin: germline. Inheritance: Autosomal recessive inheritance. Affected: yes.

PreventionGenetics, part of Exact Sciences
Classification: Benign for GH1-related condition. Last evaluated: 2019-10-31. Review status: no assertion criteria provided. Collection method: clinical testing. Allele origin: germline. Not counted in ClinVar's aggregate classification.
Comment: This variant is classified as benign based on ACMG/AMP sequence variant interpretation guidelines (Richards et al. 2015 PMID: 25741868, with internal and published modifications).

NM_000515.5(GH1):c.116C>T (p.Ala39Val)

Genes: GH-LCR (growth hormone locus control region; plus strand), GH1 (growth hormone 1; minus strand). Cytogenetic location: 17q23.3.
Variant type: single nucleotide variant.
Coding change: c.116C>T on transcript NM_000515.5 (MANE Select); coding-DNA position 116, C replaced by T.
Protein change: p.Ala39Val; replaces alanine 39 with valine.
Molecular consequence: missense variant.
Genome position (GRCh38, 1-based): chr17:63,918,401, G>A on the plus strand (C>T on the coding strand, the complement: GH1 is on the minus strand). VCF-style: chr17-63918401-G-A. GRCh37 (hg19) VCF-style: chr17-61995761-G-A.
Other names: c.116C>T, p.Ala39Val (NM_022559.4, NM_022560.4); short protein forms A39V.
Identifiers: ClinVar variation 284727 (VCV000284727.22), dbSNP rs151263636, ClinGen allele CA8708356.